The following is an entry in ClinVar:

NM_000368.5(TSC1):c.3235G>A (p.Gly1079Ser)

Gene: TSC1 (TSC complex subunit 1; minus strand). Cytogenetic location: 9q34.13.
Variant type: single nucleotide variant.
Coding change: c.3235G>A on transcript NM_000368.5 (MANE Select); coding-DNA position 3235, G replaced by A.
Protein change: p.Gly1079Ser; replaces glycine 1079 with serine.
Molecular consequence: missense variant.
Genome position (GRCh38, 1-based): chr9:132,896,495, C>T on the plus strand (G>A on the coding strand, the complement: TSC1 is on the minus strand). VCF-style: chr9-132896495-C-T. GRCh37 (hg19) VCF-style: chr9-135771882-C-T.
Other names: c.3232G>A, p.Gly1078Ser (NM_001162426.2, NM_001406597.1, NM_001406598.1 and 2 more transcripts); c.3082G>A, p.Gly1028Ser (NM_001162427.2, NM_001406610.1); c.2872G>A, p.Gly958Ser (NM_001362177.2, NM_001406614.1, NM_001406615.1 and 4 more transcripts); c.3235G>A, p.Gly1079Ser (NM_001406592.1, NM_001406593.1, NM_001406594.1 and 2 more transcripts); c.3193G>A, p.Gly1065Ser (NM_001406607.1, NM_001406605.1, NM_001406606.1); c.3190G>A, p.Gly1064Ser (NM_001406608.1, NM_001406609.1); c.3079G>A, p.Gly1027Ser (NM_001406611.1, NM_001406612.1); c.3037G>A, p.Gly1013Ser (NM_001406613.1); and 8 more; short protein forms G1013S, G1027S, G1028S, G1064S, G1065S, G1073S, G1074S, G1078S.
Identifiers: ClinVar variation 1719741 (VCV001719741.5), dbSNP rs910432382, ClinGen allele CA375366915.
Genomic context (GRCh38, chr9:132,896,495, plus strand): 5'-TATTACGAAATAACTCTCGAGCCTTCATACCCAGGAAGCTTTTTGAACTGGGAAGTGAGC[C>T]CACAGTGGTGGGGATGCTGGCAGACGCTTCTCCCATAGTCGTCTCCCACCGACTGCTGAA-3'
Protein context (NP_000359.1, residues 1069-1089): EASASIPTTV[Gly1079Ser]SLPSSKSFLG

ClinVar aggregate classification (germline): Uncertain significance (1 of 4 stars; one submission).

Conditions:
Tuberous sclerosis 1 (TSC1). Identifiers: Orphanet 805, MedGen C1854465, MONDO:0008612, OMIM 191100.

Submission:

Labcorp Genetics (formerly Invitae), Labcorp
Classification: Uncertain significance for Tuberous sclerosis 1. Last evaluated: 2022-09-18. Review status: criteria provided, single submitter. Criteria: Invitae Variant Classification Sherloc (09022015). Collection method: clinical testing. Allele origin: germline.
Comment: In summary, the available evidence is currently insufficient to determine the role of this variant in disease. Therefore, it has been classified as a Variant of Uncertain Significance. Advanced modeling of protein sequence and biophysical properties (such as structural, functional, and spatial information, amino acid conservation, physicochemical variation, residue mobility, and thermodynamic stability) performed at Invitae indicates that this missense variant is not expected to disrupt TSC1 protein function. This variant has not been reported in the literature in individuals affected with TSC1-related conditions. This variant is not present in population databases (gnomAD no frequency). This sequence change replaces glycine, which is neutral and non-polar, with serine, which is neutral and polar, at codon 1079 of the TSC1 protein (p.Gly1079Ser).